The following is an entry in ClinVar:

ClinVar aggregate classification (germline): Uncertain significance. Review status: criteria provided, multiple submitters, no conflicts (2 of 4 stars). 3 submissions from 3 submitters: Uncertain significance (3). Last evaluated 2025-09-02.

Conditions:
Polycystic kidney disease, adult type (PKD1). Also called: Polycystic Kidney Disease 1, Autosomal Dominant; Polycystic kidney disease 1; Polycystic kidney disease 1, severe; Polycystic Kidney, Autosomal Dominant; POLYCYSTIC KIDNEY DISEASE, ADULT, TYPE I; POLYCYSTIC KIDNEY DISEASE 1 WITH OR WITHOUT POLYCYSTIC LIVER DISEASE. Identifiers: MedGen C3149841, MONDO:0008263, OMIM 173900.

Submissions (3):

Women's Health and Genetics/Laboratory Corporation of America, LabCorp
Classification: Uncertain significance. Last evaluated: 2025-09-02. Review status: criteria provided, single submitter. Criteria: LabCorp Variant Classification Summary - May 2015. Collection method: clinical testing. Allele origin: germline.
Comment: Variant summary: PKD1 c.41G>A (p.Gly14Asp) results in a non-conservative amino acid change in the encoded protein sequence. Algorithms developed to predict the effect of missense changes on protein structure and function are either unavailable or do not agree on the potential impact of this missense change. The variant was absent in 24490 control chromosomes. The available data on variant occurrences in the general population are insufficient to allow any conclusion about variant significance. To our knowledge, no occurrence of c.41G>A in individuals affected with PKD1-related conditions and no experimental evidence demonstrating its impact on protein function have been reported. ClinVar contains an entry for this variant (Variation ID: 3579865). Based on the evidence outlined above, the variant was classified as uncertain significance.

GeneDx
Classification: Uncertain significance. Last evaluated: 2025-07-08. Review status: criteria provided, single submitter. Criteria: GeneDx Variant Classification Process June 2021. Collection method: clinical testing. Allele origin: germline. Affected: yes.
Comment: Not observed at significant frequency in large population cohorts (gnomAD); In silico analysis suggests that this missense variant does not alter protein structure/function; Has not been previously published as pathogenic or benign to our knowledge

Fulgent Genetics
Classification: Uncertain significance for Polycystic kidney disease, adult type. Last evaluated: 2024-06-03. Review status: criteria provided, single submitter. Criteria: ACMG Guidelines, 2015. Collection method: clinical testing. Allele origin: germline.

NM_001009944.3(PKD1):c.41G>A (p.Gly14Asp)

Gene: PKD1 (polycystin 1, transient receptor potential channel interacting; minus strand). Cytogenetic location: 16p13.3.
Variant type: single nucleotide variant.
Coding change: c.41G>A on transcript NM_001009944.3 (MANE Select); coding-DNA position 41, G replaced by A.
Protein change: p.Gly14Asp; replaces glycine 14 with aspartic acid.
Molecular consequence: missense variant.
Genome position (GRCh38, 1-based): chr16:2,135,649, C>T on the plus strand (G>A on the coding strand, the complement: PKD1 is on the minus strand). VCF-style: chr16-2135649-C-T. GRCh37 (hg19) VCF-style: chr16-2185650-C-T.
Other names: c.41G>A, p.Gly14Asp (NM_000296.4); short protein forms G14D.
Identifiers: ClinVar variation 3579865 (VCV003579865.3).
Genomic context (GRCh38, chr16:2,135,649, plus strand): 5'-TCGCAGGGCCCGCAGCCGCGCCCGGGGCCCCCCGCCAGCGCCCCGAGCCACAGGCCCAGG[C>T]CCAGGGCCAGCGCCAGGCGGGCGGGCGCGGCGGGCGGCATCGTTAGGGCAGCGCGCGCAT-3'
Protein context (NP_001009944.3, residues 4-24): AAPARLALAL[Gly14Asp]LGLWLGALAG